The following is an entry in ClinVar:

NM_015466.4(PTPN23):c.4162A>G (p.Ile1388Val)

Gene: PTPN23 (protein tyrosine phosphatase non-receptor type 23; plus strand). Cytogenetic location: 3p21.31.
Variant type: single nucleotide variant.
Coding change: c.4162A>G on transcript NM_015466.4 (MANE Select); coding-DNA position 4162, A replaced by G.
Protein change: p.Ile1388Val; replaces isoleucine 1388 with valine.
Molecular consequence: missense variant.
Genome position (GRCh38, 1-based): chr3:47,412,182, A>G. VCF-style: chr3-47412182-A-G. GRCh37 (hg19) VCF-style: chr3-47453672-A-G.
Other names: c.3784A>G, p.Ile1262Val (NM_001304482.2); c.4162A>G (NM_015466.2); short protein forms I1262V, I1388V.
Identifiers: ClinVar variation 1446241 (VCV001446241.5), dbSNP rs149160247, ClinGen allele CA2366485.

ClinVar aggregate classification (germline): Uncertain significance. Review status: criteria provided, multiple submitters, no conflicts (2 of 4 stars). 2 submissions from 2 submitters: Uncertain significance (2). Last evaluated 2023-12-16.

Conditions:
Inborn genetic diseases. Identifiers: MedGen C0950123, MeSH D030342.

Allele frequency attached by ClinVar (database versions not stated): ESP Exome Variant Server 0.00015; TOPMed 0.00008; gnomAD 0.00009 and 0.00008; gnomAD exomes 0.00001 and 0.00004; ExAC 0.00003.
gnomAD v4.1: 24 of 1,613,070 alleles (0.0015%); highest among the groups gnomAD compares: African/African-American, 0.025%; no homozygotes.

Submissions (2):

Ambry Genetics
Classification: Uncertain significance for Inborn genetic diseases. Last evaluated: 2023-12-16. Review status: criteria provided, single submitter. Criteria: Ambry Variant Classification Scheme 2023. Collection method: clinical testing. Allele origin: germline.

Labcorp Genetics (formerly Invitae), Labcorp
Classification: Uncertain significance. Last evaluated: 2023-11-27. Review status: criteria provided, single submitter. Criteria: Invitae Variant Classification Sherloc (09022015). Collection method: clinical testing. Allele origin: germline.
Comment: This sequence change replaces isoleucine, which is neutral and non-polar, with valine, which is neutral and non-polar, at codon 1388 of the PTPN23 protein (p.Ile1388Val). This variant is present in population databases (rs149160247, gnomAD 0.03%). This variant has not been reported in the literature in individuals affected with PTPN23-related conditions. ClinVar contains an entry for this variant (Variation ID: 1446241). Algorithms developed to predict the effect of missense changes on protein structure and function output the following: SIFT: "Not Available"; PolyPhen-2: "Possibly Damaging"; Align-GVGD: "Not Available". The valine amino acid residue is found in multiple mammalian species, which suggests that this missense change does not adversely affect protein function. In summary, the available evidence is currently insufficient to determine the role of this variant in disease. Therefore, it has been classified as a Variant of Uncertain Significance.